The following is an entry in ClinVar:

NM_000518.5(HBB):c.*97G>A

Genes: HBB (hemoglobin subunit beta; minus strand), LOC107133510 (origin of replication at HBB; plus strand), LOC110006319 (beta-globin gene 3' regulatory region; plus strand). Cytogenetic location: 11p15.4.
Variant type: single nucleotide variant.
Coding change: c.*97G>A on transcript NM_000518.5 (MANE Select); 97 bases downstream of the stop codon, G replaced by A.
Molecular consequence: 3 prime UTR variant.
Genome position (GRCh38, 1-based): chr11:5,225,501, C>T on the plus strand (G>A on the coding strand, the complement: HBB is on the minus strand). VCF-style: chr11-5225501-C-T. GRCh37 (hg19) VCF-style: chr11-5246731-C-T.
Identifiers: ClinVar variation 3572126 (VCV003572126.1).

ClinVar aggregate classification (germline): Uncertain significance (1 of 4 stars; one submission).

Submission:

Quest Diagnostics Nichols Institute San Juan Capistrano
Classification: Uncertain significance. Last evaluated: 2024-11-07. Review status: criteria provided, single submitter. Criteria: Quest Diagnostics criteria. Collection method: clinical testing. Allele origin: unknown.
Comment: The HBB c.*97G>A variant is located in the 3’-untranslated region of the beta-globin gene. To the best of our knowledge, this variant has not been reported in the published literature. It also has not been reported in large, multi-ethnic general populations (Genome Aggregation Database). Based on the available information, we are unable to determine the clinical significance of this variant.